The following is an entry in ClinVar:

NM_002887.4(RARS1):c.46-4A>G

Gene: RARS1 (arginyl-tRNA synthetase 1; plus strand). Cytogenetic location: 5q34.
Variant type: single nucleotide variant.
Coding change: c.46-4A>G on transcript NM_002887.4 (MANE Select); 4 bases into the intron before coding-DNA position 46, A replaced by G.
Molecular consequence: intron variant.
Genome position (GRCh38, 1-based): chr5:168,488,598, A>G. VCF-style: chr5-168488598-A-G. GRCh37 (hg19) VCF-style: chr5-167915603-A-G.
Identifiers: ClinVar variation 3151676 (VCV003151676.1), dbSNP rs926052636, ClinGen allele CA131930459.
Genomic context (GRCh38, chr5:168,488,598, plus strand): 5'-TTGGTAGAGAGGGGAAATGTGGAAGTAAGTTTATGGACTGAAAAAAGTGCTTTTTTTCCC[A>G]CAGGAAGAAGAGATTAAATCTCTGACTGCTGAAATTGACCGGTTGAAAAACTGTGGCTGT-3'

ClinVar aggregate classification (germline): Uncertain significance (1 of 4 stars; one submission).

Conditions:
Inborn genetic diseases. Identifiers: MedGen C0950123, MeSH D030342.

Allele frequency attached by ClinVar (database versions not stated): gnomAD exomes below 0.00001; gnomAD 0.00002; TOPMed 0.00002.
gnomAD v4.1: 6 of 1,593,590 alleles (0.00038%); highest among the groups gnomAD compares: African/African-American, 0.0055%; no homozygotes.

Submission:

Ambry Genetics
Classification: Uncertain significance for Inborn genetic diseases. Last evaluated: 2021-09-01. Review status: criteria provided, single submitter. Criteria: Ambry Variant Classification Scheme 2023. Collection method: clinical testing. Allele origin: germline.
Comment: The c.46-4A>G intronic alteration consists of a A to G substitution 4 nucleotides before exon 2 of the RARS gene. Based on insufficient or conflicting evidence, the clinical significance of this alteration remains unclear.